The following is an entry in ClinVar:

NM_001365536.1(SCN9A):c.2539A>G (p.Lys847Glu)

Genes: SCN1A-AS1 (SCN1A and SCN9A antisense RNA 1; plus strand), SCN9A (sodium voltage-gated channel alpha subunit 9; minus strand). Cytogenetic location: 2q24.3.
Variant type: single nucleotide variant.
Coding change: c.2539A>G on transcript NM_001365536.1 (MANE Select); coding-DNA position 2539, A replaced by G.
Protein change: p.Lys847Glu; replaces lysine 847 with glutamic acid.
Molecular consequence: missense variant.
Genome position (GRCh38, 1-based): chr2:166,277,318, T>C on the plus strand (A>G on the coding strand, the complement: SCN9A is on the minus strand). VCF-style: chr2-166277318-T-C. GRCh37 (hg19) VCF-style: chr2-167133828-T-C.
Other names: c.2506A>G, p.Lys836Glu (NM_002977.4); short protein forms K836E, K847E.
Identifiers: ClinVar variation 1364754 (VCV001364754.8), dbSNP rs976195308, ClinGen allele CA349078112.

ClinVar aggregate classification (germline): Uncertain significance (1 of 4 stars; one submission).

Conditions:
Generalized epilepsy with febrile seizures plus, type 7 (GEFSP7). Also called: GEFS+, TYPE 7. Identifiers: Orphanet 36387, MedGen C2751778, MONDO:0013470, OMIM 613863.
Neuropathy, hereditary sensory and autonomic, type 2A (HSAN2A). Also called: MORVAN DISEASE; ACROOSTEOLYSIS, GIACCAI TYPE; ACROOSTEOLYSIS, NEUROGENIC; NEUROPATHY, CONGENITAL SENSORY; NEUROPATHY, HEREDITARY SENSORY RADICULAR, AUTOSOMAL RECESSIVE; NEUROPATHY, HEREDITARY SENSORY, TYPE IIA. Identifiers: Orphanet 970, MedGen C2752089, MONDO:0024309, OMIM 201300.

gnomAD v4.1: 2 of 1,608,412 alleles (0.00012%); highest among the groups gnomAD compares: Non-Finnish European, 0.00017%; no homozygotes.

Submission:

Labcorp Genetics (formerly Invitae), Labcorp
Classification: Uncertain significance for Neuropathy, hereditary sensory and autonomic, type 2A; Generalized epilepsy with febrile seizures plus, type 7. Last evaluated: 2025-12-08. Review status: criteria provided, single submitter. Criteria: Invitae Variant Classification Sherloc (09022015). Collection method: clinical testing. Allele origin: germline.
Comment: This sequence change replaces lysine, which is basic and polar, with glutamic acid, which is acidic and polar, at codon 836 of the SCN9A protein (p.Lys836Glu). This variant is not present in population databases (gnomAD no frequency). This variant has not been reported in the literature in individuals affected with SCN9A-related conditions. ClinVar contains an entry for this variant (Variation ID: 1364754). Invitae Evidence Modeling of protein sequence and biophysical properties (such as structural, functional, and spatial information, amino acid conservation, physicochemical variation, residue mobility, and thermodynamic stability) has been performed for this missense variant. However, the output from this modeling did not meet the statistical confidence thresholds required to predict the impact of this variant on SCN9A protein function. In summary, the available evidence is currently insufficient to determine the role of this variant in disease. Therefore, it has been classified as a Variant of Uncertain Significance.